The following is an entry in ClinVar:

ClinVar aggregate classification (germline): Pathogenic (1 of 4 stars; one submission).

Submission:

ARUP Laboratories, Molecular Genetics and Genomics, ARUP Laboratories
Classification: Pathogenic. Last evaluated: 2023-11-07. Review status: criteria provided, single submitter. Criteria: ARUP Molecular Germline Variant Investigation Process 2024. Collection method: clinical testing. Allele origin: germline.
Comment: The SPTB c.3202C>T; p.Gln1068Ter variant, to our knowledge, is not reported in the medical literature or gene specific databases. This variant is also absent from the Genome Aggregation Database, indicating it is not a common polymorphism. This variant induces an early termination codon and is predicted to result in a truncated protein or mRNA subject to nonsense-mediated decay. Based on available information, this variant is considered to be pathogenic.

NM_001355436.2(SPTB):c.3202C>T (p.Gln1068Ter)

Gene: SPTB (spectrin beta, erythrocytic; minus strand). Cytogenetic location: 14q23.3.
Variant type: single nucleotide variant.
Coding change: c.3202C>T on transcript NM_001355436.2 (MANE Select); coding-DNA position 3202, C replaced by T.
Protein change: p.Gln1068Ter; replaces glutamine 1068 with a stop codon.
Molecular consequence: nonsense.
Genome position (GRCh38, 1-based): chr14:64,786,763, G>A on the plus strand (C>T on the coding strand, the complement: SPTB is on the minus strand). VCF-style: chr14-64786763-G-A. GRCh37 (hg19) VCF-style: chr14-65253481-G-A.
Other names: c.3202C>T, p.Gln1068Ter (NM_001024858.4, NM_001355437.2); short protein forms Q1068*.
Identifiers: ClinVar variation 2921245 (VCV002921245.1), dbSNP rs770789297, ClinGen allele CA390047018.